The following is an entry in ClinVar:

NM_000488.4(SERPINC1):c.730del (p.Val244fs)

Gene: SERPINC1 (serpin family C member 1; minus strand). Cytogenetic location: 1q25.1.
Variant type: Deletion.
Coding change: c.730del on transcript NM_000488.4 (MANE Select); coding-DNA position 730, one base deleted (G; older notation c.730delG).
Protein change: p.Val244fs; shifts the reading frame from valine 244.
Molecular consequence: frameshift variant.
Genome position (GRCh38, 1-based): chr1:173,910,786, C deleted on the plus strand (G on the coding strand, the reverse complement: SERPINC1 is on the minus strand). VCF-style (leftmost placement, unchanged base first): chr1-173910785-AC-A. GRCh37 (hg19) VCF-style: chr1-173879923-AC-A.
Other names: c.586del, p.Val196fs (NM_001365052.2); c.730del, p.Val244fs (NM_001386302.1, NM_001386304.1, NM_001386305.1); c.811del, p.Val271fs (NM_001386303.1); c.514del, p.Val172fs (NM_001386306.1); short protein forms V172fs, V244fs, V271fs, V196fs.
Identifiers: ClinVar variation 4733010 (VCV004733010.1).

ClinVar aggregate classification (germline): Pathogenic (1 of 4 stars; one submission).

Conditions:
Hereditary antithrombin deficiency (AT3D). Also called: Antithrombin deficiency; Thrombophilia due to antithrombin III deficiency; Antithrombin III deficiency; Reduced antithrombin III activity. Identifiers: Orphanet 82, MedGen C0272375, MONDO:0013144, OMIM 613118, HP:0001976.

Submission:

Labcorp Genetics (formerly Invitae), Labcorp
Classification: Pathogenic for Hereditary antithrombin deficiency. Last evaluated: 2025-12-11. Review status: criteria provided, single submitter. Criteria: Invitae Variant Classification Sherloc (09022015). Collection method: clinical testing. Allele origin: germline.
Comment: This sequence change creates a premature translational stop signal (p.Val244Phefs*40) in the SERPINC1 gene. It is expected to result in an absent or disrupted protein product. Loss-of-function variants in SERPINC1 are known to be pathogenic (PMID: 21264449). This variant is not present in population databases (gnomAD no frequency). This variant has not been reported in the literature in individuals affected with SERPINC1-related conditions. For these reasons, this variant has been classified as Pathogenic.

Literature cited by the submitters: PubMed 21264449.